The following is an entry in ClinVar:

NM_014363.6(SACS):c.827G>A (p.Arg276His)

Gene: SACS (sacsin molecular chaperone; minus strand). Cytogenetic location: 13q12.12.
Variant type: single nucleotide variant.
Coding change: c.827G>A on transcript NM_014363.6 (MANE Select); coding-DNA position 827, G replaced by A.
Protein change: p.Arg276His; replaces arginine 276 with histidine.
Molecular consequence: missense variant.
Genome position (GRCh38, 1-based): chr13:23,355,785, C>T on the plus strand (G>A on the coding strand, the complement: SACS is on the minus strand). VCF-style: chr13-23355785-C-T. GRCh37 (hg19) VCF-style: chr13-23929924-C-T.
Other names: c.386G>A, p.Arg129His (NM_001278055.2); short protein forms R129H, R276H.
Identifiers: ClinVar variation 1709416 (VCV001709416.3), dbSNP rs2542402666, ClinGen allele CA387551055.

ClinVar aggregate classification (germline): Conflicting classifications of pathogenicity. Review status: criteria provided, conflicting classifications (1 of 4 stars). 2 submissions from 2 submitters: Likely pathogenic (1); Uncertain significance (1). Last evaluated 2025-05-28.

Conditions:
Charlevoix-Saguenay spastic ataxia (SACS). Also called: SPASTIC ATAXIA 6, AUTOSOMAL RECESSIVE; AUTOSOMAL RECESSIVE SPASTIC ATAXIA OF CHARLEVOIX-SAGUENAY; Spastic ataxia of Charlevoix-Saguenay. Identifiers: Orphanet 98, MedGen C1849140, MONDO:0010041, OMIM 270550.

Allele frequency attached by ClinVar (database versions not stated): gnomAD exomes below 0.00001.

Submissions (2):

Variantyx, Inc.
Classification: Likely pathogenic for Charlevoix-Saguenay spastic ataxia. Last evaluated: 2025-05-28. Review status: criteria provided, single submitter. Criteria: Variantyx Assertion Criteria 2022. Collection method: clinical testing. Allele origin: germline. Inheritance: Autosomal recessive inheritance. Affected: yes.
Comment: This is a nonsynonymous variant in the SACS gene (OMIM: 604490). Pathogenic variants in this gene have been associated with autosomal recessive spastic ataxia of Charlevoix-Saguenay type. Multiple computational algorithms predict a deleterious effect for this variant (REVEL score: 0.894) (PP3) and an alternate amino acid change at this position (p.Arg276Cys) has been previously reported in similarly affected individuals, which suggests that this residue is biologically important (PMID: 22816526, 26288984) (PM5). This variant has a 0.0002% maximum allele frequency in non-founder control populations (PM2). Based on the current evidence, this variant is classified as likely pathogenic for autosomal recessive spastic ataxia of Charlevoix-Saguenay type.

MGZ Medical Genetics Center
Classification: Uncertain significance for Charlevoix-Saguenay spastic ataxia. Last evaluated: 2022-05-05. Review status: criteria provided, single submitter. Criteria: ACMG Guidelines, 2015. Collection method: clinical testing. Allele origin: germline. Affected: yes. Observed: 1 variant allele.
Comment: ACMG criteria applied: PM5, PM2_SUP, PP3

Literature cited by the submitters: PubMed 22816526 (cited by Variantyx, Inc.); PubMed 26288984 (cited by Variantyx, Inc.).